The following is an entry in ClinVar:

ClinVar aggregate classification (germline): Uncertain significance (1 of 4 stars; one submission).

gnomAD v4.1: 6 of 1,613,914 alleles (0.00037%); highest among the groups gnomAD compares: Non-Finnish European, 0.00042%; no homozygotes.

Submission:

Labcorp Genetics (formerly Invitae), Labcorp
Classification: Uncertain significance. Last evaluated: 2022-06-04. Review status: criteria provided, single submitter. Criteria: Invitae Variant Classification Sherloc (09022015). Collection method: clinical testing. Allele origin: germline.
Comment: This sequence change replaces arginine, which is basic and polar, with histidine, which is basic and polar, at codon 225 of the SEMA4A protein (p.Arg225His). This variant is not present in population databases (gnomAD no frequency). This variant has not been reported in the literature in individuals affected with SEMA4A-related conditions. Algorithms developed to predict the effect of missense changes on protein structure and function output the following: SIFT: "Tolerated"; PolyPhen-2: "Benign"; Align-GVGD: "Class C0". The histidine amino acid residue is found in multiple mammalian species, which suggests that this missense change does not adversely affect protein function. In summary, the available evidence is currently insufficient to determine the role of this variant in disease. Therefore, it has been classified as a Variant of Uncertain Significance.

NM_022367.4(SEMA4A):c.674G>A (p.Arg225His)

Gene: SEMA4A (semaphorin 4A; plus strand). Cytogenetic location: 1q22.
Variant type: single nucleotide variant.
Coding change: c.674G>A on transcript NM_022367.4 (MANE Select); coding-DNA position 674, G replaced by A.
Protein change: p.Arg225His; replaces arginine 225 with histidine.
Molecular consequence: missense variant.
Genome position (GRCh38, 1-based): chr1:156,160,548, G>A. VCF-style: chr1-156160548-G-A. GRCh37 (hg19) VCF-style: chr1-156130339-G-A.
Other names: c.674G>A, p.Arg225His (NM_001193300.2, NM_001193301.2, NM_001370567.1); c.278G>A, p.Arg93His (NM_001193302.2); c.377G>A, p.Arg126His (NM_001370568.1); c.167G>A, p.Arg56His (NM_001370569.1, NM_001370571.1); short protein forms R126H, R93H, R225H, R56H.
Identifiers: ClinVar variation 1931627 (VCV001931627.5), dbSNP rs1347753554, ClinGen allele CA342838035.